The following is an entry in ClinVar:

NM_030957.4(ADAMTS10):c.491G>A (p.Gly164Glu)

Gene: ADAMTS10 (ADAM metallopeptidase with thrombospondin type 1 motif 10; minus strand). Cytogenetic location: 19p13.2.
Variant type: single nucleotide variant.
Coding change: c.491G>A on transcript NM_030957.4 (MANE Select); coding-DNA position 491, G replaced by A.
Protein change: p.Gly164Glu; replaces glycine 164 with glutamic acid.
Molecular consequence: missense variant.
Genome position (GRCh38, 1-based): chr19:8,603,829, C>T on the plus strand (G>A on the coding strand, the complement: ADAMTS10 is on the minus strand). VCF-style: chr19-8603829-C-T. GRCh37 (hg19) VCF-style: chr19-8668713-C-T.
Other names: short protein forms G164E.
Identifiers: ClinVar variation 4706108 (VCV004706108.1).

ClinVar aggregate classification (germline): Uncertain significance (1 of 4 stars; one submission).

gnomAD v4.1: 4 of 1,614,040 alleles (0.00025%); highest among the groups gnomAD compares: Admixed American, 0.005%; no homozygotes.

Submission:

Labcorp Genetics (formerly Invitae), Labcorp
Classification: Uncertain significance. Last evaluated: 2025-11-14. Review status: criteria provided, single submitter. Criteria: Invitae Variant Classification Sherloc (09022015). Collection method: clinical testing. Allele origin: germline.
Comment: This sequence change replaces glycine, which is neutral and non-polar, with glutamic acid, which is acidic and polar, at codon 164 of the ADAMTS10 protein (p.Gly164Glu). This variant is present in population databases (no rsID available, gnomAD 0.003%). This variant has not been reported in the literature in individuals affected with ADAMTS10-related conditions. An algorithm developed to predict the effect of missense changes on protein structure and function (PolyPhen-2) suggests that this variant is likely to be tolerated. In summary, the available evidence is currently insufficient to determine the role of this variant in disease. Therefore, it has been classified as a Variant of Uncertain Significance.